The following is an entry in ClinVar:

NM_001365276.2(TNXB):c.9757+4A>G

Gene: TNXB (tenascin XB; minus strand). Cytogenetic location: 6p21.33.
Variant type: single nucleotide variant.
Coding change: c.9757+4A>G on transcript NM_001365276.2 (MANE Select); 4 bases into the intron after coding-DNA position 9757, A replaced by G.
Molecular consequence: intron variant.
Genome position (GRCh38, 1-based): chr6:32,049,266, T>C on the plus strand (A>G on the coding strand, the complement: TNXB is on the minus strand). VCF-style: chr6-32049266-T-C. GRCh37 (hg19) VCF-style: chr6-32017043-T-C.
Other names: p.?; c.9751+4A>G (NM_019105.8).
Identifiers: ClinVar variation 1768083 (VCV001768083.3), dbSNP rs1777097734, ClinGen allele CA1619406068.

ClinVar aggregate classification (germline): Uncertain significance. Review status: criteria provided, multiple submitters, no conflicts (2 of 4 stars). 2 submissions from 2 submitters: Uncertain significance (2). Last evaluated 2023-06-30.

Conditions:
Cardiovascular phenotype. Identifiers: MedGen CN230736.

Allele frequency attached by ClinVar (database versions not stated): gnomAD exomes below 0.00001; TOPMed below 0.00001.
gnomAD v4.1: 3 of 1,606,978 alleles (0.00019%); highest among the groups gnomAD compares: Non-Finnish European, 0.00026%; no homozygotes.

Submissions (2):

Mayo Clinic Laboratories, Mayo Clinic
Classification: Uncertain significance. Last evaluated: 2023-06-30. Review status: criteria provided, single submitter. Criteria: ACMG Guidelines, 2015. Collection method: clinical testing. Allele origin: germline. Observed: 1 variant allele.
Comment: PM2

Ambry Genetics
Classification: Uncertain significance for Cardiovascular phenotype. Last evaluated: 2019-06-19. Review status: criteria provided, single submitter. Criteria: Ambry Variant Classification Scheme 2023. Collection method: clinical testing. Allele origin: germline.
Comment: The c.9751+4A>G intronic variant results from an A to G substitution 4 nucleotides after coding exon 27 in the TNXB gene. This nucleotide position is highly conserved in available vertebrate species. Using the BDGP and ESEfinder splice site prediction tools, this alteration is not predicted to have any significant effect on this splice acceptor; however, direct evidence is unavailable. Since supporting evidence is limited at this time, the clinical significance of this alteration remains unclear.